The following is an entry in ClinVar:

ClinVar aggregate classification (germline): Likely benign (1 of 4 stars; one submission).

Allele frequency attached by ClinVar (database versions not stated): 1000 Genomes Project 0.00020.

Submission:

CeGaT Center for Human Genetics Tuebingen
Classification: Likely benign. Last evaluated: 2022-09-01. Review status: criteria provided, single submitter. Criteria: CeGaT Center For Human Genetics Tuebingen Variant Classification Criteria Version 2. Collection method: clinical testing. Allele origin: germline. Affected: yes. Observed: 1 variant allele.
Comment: PRB3: BP4, BP7

NM_001394862.1(PRB3):c.447A>C (p.Gly149=)

Gene: PRB3 (proline rich protein BstNI subfamily 3; minus strand). Cytogenetic location: 12p13.2.
Variant type: single nucleotide variant.
Coding change: c.447A>C on transcript NM_001394862.1 (MANE Select); coding-DNA position 447, A replaced by C.
Protein change: p.Gly149=; no amino-acid change (glycine 149 retained).
Molecular consequence: synonymous variant.
Genome position (GRCh38, 1-based): chr12:11,267,802, T>G on the plus strand (A>C on the coding strand, the complement: PRB3 is on the minus strand). VCF-style: chr12-11267802-T-G. GRCh37 (hg19) VCF-style: chr12-11420736-T-G.
Other names: c.447A>C, p.Gly149= (NM_006249.5).
Identifiers: ClinVar variation 2642711 (VCV002642711.24), dbSNP rs550746702, ClinGen allele CA232952683.